The following is an entry in ClinVar:

NM_000128.4(F11):c.1500C>G (p.Cys500Trp)

Genes: F11 (coagulation factor XI; plus strand), F11-AS1 (F11 antisense RNA 1; minus strand). Cytogenetic location: 4q35.2.
Variant type: single nucleotide variant.
Coding change: c.1500C>G on transcript NM_000128.4 (MANE Select); coding-DNA position 1500, C replaced by G.
Protein change: p.Cys500Trp; replaces cysteine 500 with tryptophan.
Molecular consequence: missense variant. On other transcripts: intron variant (4).
Genome position (GRCh38, 1-based): chr4:186,286,434, C>G. VCF-style: chr4-186286434-C-G. GRCh37 (hg19) VCF-style: chr4-187207588-C-G.
Other names: c.1452C>G, p.Cys484Trp (NM_001440590.1); c.1230C>G, p.Cys410Trp (NM_001440605.1); c.1182C>G, p.Cys394Trp (NM_001440606.1); c.1480+621C>G (NM_001440593.1); c.1432+621C>G (NM_001440596.1); c.1210+621C>G (NM_001440607.1); c.1162+621C>G (NM_001440608.1); short protein forms C394W, C410W, C484W, C500W.
Identifiers: ClinVar variation 4081656 (VCV004081656.4).

ClinVar aggregate classification (germline): Pathogenic/Likely pathogenic. Review status: criteria provided, multiple submitters, no conflicts (2 of 4 stars). 3 submissions from 3 submitters: Pathogenic (1); Likely pathogenic (2). Last evaluated 2025-11-23.

Conditions:
Plasma factor XI deficiency.
Hereditary factor XI deficiency disease. Also called: Congenital factor XI deficiency; PLASMA THROMBOPLASTIN ANTECEDENT DEFICIENCY; PTA DEFICIENCY; ROSENTHAL SYNDROME. Identifiers: Orphanet 329, MedGen C0015523, MeSH D005173, MONDO:0012897, OMIM 612416.

gnomAD v4.1: 1 of 1,613,920 alleles (0.000062%); highest among the groups gnomAD compares: East Asian, 0.0022%; no homozygotes.

Submissions (3):

Natera, Inc.
Classification: Pathogenic for Plasma factor XI deficiency. Last evaluated: 2025-11-23. Review status: criteria provided, single submitter. Criteria: Natera Variant Classification Schema (03/2026). Collection method: clinical testing. Allele origin: germline.
Comment: The c.1500C>G variant in F11 is a missense variant predicted to cause substitution of cysteine to tryptophan at amino acid 500. This variant is rare in the general population with a frequency below the threshold expected for the associated phenotype(s). This variant has been observed in one or more individuals affected with the associated recessive disease, as either homozygous or compound heterozygous with a second variant (PMID: 34776502, 27067486). This variant has been observed in affected individual(s) with monoallelic occurrence (heterozygous/hemizygous) (PMID: 27067486, 24982842, 19652879, 16835901). Computational prediction algorithms indicate this variant is likely to affect gene or protein function. Given the available evidence, this variant is classified as Pathogenic.

Myriad Genetics, Inc.
Classification: Likely pathogenic for Hereditary factor XI deficiency disease. Last evaluated: 2025-05-08. Review status: criteria provided, single submitter. Criteria: Myriad Autosomal Dominant, Autosomal Recessive and X-Linked Classification Criteria (2023). Collection method: clinical testing. Allele origin: unknown.
Comment: NM_000128.3(F11):c.1500C>G(C500W) is a missense variant classified as likely pathogenic in the context of factor XI deficiency. C500W has been observed in cases with relevant disease (PMID: 34776502, 33445854, 35773762, 24982842, 16835901, 27067486). Relevant functional assessments of this variant are not available in the literature. C500W has been observed in referenced population frequency databases. In summary, NM_000128.3(F11):c.1500C>G(C500W) is a missense variant that has internal structural support for pathogenicity and has been observed more frequently in cases with the relevant disease than in healthy populations. Please note: this variant was assessed in the context of healthy population screening.

Juno Genomics, Hangzhou Juno Genomics, Inc
Classification: Likely pathogenic for Hereditary factor XI deficiency disease. Review status: criteria provided, single submitter. Criteria: ACMG Guidelines, 2015. Collection method: clinical testing. Allele origin: germline.
Comment: Absent from controls (or at extremely low frequency if recessive) in Genome Aggregation Database.;Multiple lines of computational evidence support a deleterious effect on the gene or gene product.;For recessive disorders, detected in trans with a pathogenic variant.;The prevalence of the variant in affected individuals is significantly increased compared to the prevalence in controls.;Patient's phenotype or family history is highly specific for a disease with a single genetic etiology.

Literature cited by the submitters: PubMed 34776502 (cited by Natera, Inc. and Myriad Genetics, Inc.); PubMed 27067486 (cited by Natera, Inc. and Myriad Genetics, Inc.); PubMed 24982842 (cited by Natera, Inc. and Myriad Genetics, Inc.); PubMed 19652879 (cited by Natera, Inc.); PubMed 16835901 (cited by Natera, Inc. and Myriad Genetics, Inc.); PubMed 33445854 (cited by Myriad Genetics, Inc.); PubMed 35773762 (cited by Myriad Genetics, Inc.).